The following is an entry in ClinVar:

NM_004082.5(DCTN1):c.1916G>T (p.Arg639Leu)

Gene: DCTN1 (dynactin subunit 1; minus strand). Cytogenetic location: 2p13.1.
Variant type: single nucleotide variant.
Coding change: c.1916G>T on transcript NM_004082.5 (MANE Select); coding-DNA position 1916, G replaced by T.
Protein change: p.Arg639Leu; replaces arginine 639 with leucine.
Molecular consequence: missense variant. On other transcripts: non-coding transcript variant (1).
Genome position (GRCh38, 1-based): chr2:74,368,070, C>A on the plus strand (G>T on the coding strand, the complement: DCTN1 is on the minus strand). VCF-style: chr2-74368070-C-A. GRCh37 (hg19) VCF-style: chr2-74595197-C-A.
Other names: c.1856G>T, p.Arg619Leu (NM_001135040.3); c.1514G>T, p.Arg505Leu (NM_001135041.3, NM_023019.4); c.1805G>T, p.Arg602Leu (NM_001190836.2); c.1895G>T, p.Arg632Leu (NM_001190837.2); c.1865G>T, p.Arg622Leu (NM_001378991.1); c.1847G>T, p.Arg616Leu (NM_001378992.1); short protein forms R505L, R602L, R616L, R619L, R622L, R632L, R639L.
Identifiers: ClinVar variation 1051478 (VCV001051478.9), dbSNP rs201095249, ClinGen allele CA347352353.

ClinVar aggregate classification (germline): Uncertain significance (1 of 4 stars; one submission).

Conditions:
Amyotrophic lateral sclerosis type 1 (ALS1). Also called: AMYOTROPHIC LATERAL SCLEROSIS 1, FAMILIAL. Identifiers: Orphanet 803, MedGen C1862939, MONDO:0007103, OMIM 105400.
Perry syndrome. Also called: PARKINSONISM WITH ALVEOLAR HYPOVENTILATION AND MENTAL DEPRESSION. Identifiers: Orphanet 178509, MedGen C1868594, MONDO:0008201, OMIM 168605.
Neuronopathy, distal hereditary motor, type 7B. Also called: Distal Hereditary Motor Neuronopathy Type 7B (dHMN7B); HMN VIIB; LOWER MOTOR NEURON DISEASE, DYNACTIN TYPE; NEURONOPATHY, DISTAL HEREDITARY MOTOR, AUTOSOMAL DOMINANT 14; NEURONOPATHY, DISTAL HEREDITARY MOTOR, HARDING TYPE VIIB; NEUROPATHY, DISTAL HEREDITARY MOTOR, HARDING TYPE VIIB. Identifiers: Orphanet 139589, MedGen C1843315, MONDO:0011879, OMIM 607641.

gnomAD v4.1: 1 of 1,611,272 alleles (0.000062%); highest among the groups gnomAD compares: Admixed American, 0.0017%; no homozygotes.

Submission:

Labcorp Genetics (formerly Invitae), Labcorp
Classification: Uncertain significance for Amyotrophic lateral sclerosis type 1; Neuronopathy, distal hereditary motor, type 7B; Perry syndrome. Last evaluated: 2022-05-30. Review status: criteria provided, single submitter. Criteria: Invitae Variant Classification Sherloc (09022015). Collection method: clinical testing. Allele origin: germline.
Comment: In summary, the available evidence is currently insufficient to determine the role of this variant in disease. Therefore, it has been classified as a Variant of Uncertain Significance. Algorithms developed to predict the effect of missense changes on protein structure and function are either unavailable or do not agree on the potential impact of this missense change (SIFT: "Deleterious"; PolyPhen-2: "Benign"; Align-GVGD: "Class C65"). ClinVar contains an entry for this variant (Variation ID: 1051478). This variant has not been reported in the literature in individuals affected with DCTN1-related conditions. This variant is not present in population databases (gnomAD no frequency). This sequence change replaces arginine, which is basic and polar, with leucine, which is neutral and non-polar, at codon 639 of the DCTN1 protein (p.Arg639Leu).